The following is an entry in ClinVar:

ClinVar aggregate classification (germline): Uncertain significance (1 of 4 stars; one submission).

Allele frequency attached by ClinVar (database versions not stated): gnomAD exomes below 0.00001.
gnomAD v4.1: 4 of 1,614,098 alleles (0.00025%); highest among the groups gnomAD compares: Non-Finnish European, 0.00034%; no homozygotes.

Submission:

GeneDx
Classification: Uncertain significance. Last evaluated: 2023-10-02. Review status: criteria provided, single submitter. Criteria: GeneDx Variant Classification Process June 2021. Collection method: clinical testing. Allele origin: germline. Affected: yes.
Comment: Not observed at significant frequency in large population cohorts (gnomAD); In silico analysis supports that this missense variant has a deleterious effect on protein structure/function; Has not been previously published as pathogenic or benign to our knowledge

NM_006922.4(SCN3A):c.4885G>A (p.Gly1629Ser)

Gene: SCN3A (sodium voltage-gated channel alpha subunit 3; minus strand). Cytogenetic location: 2q24.3.
Variant type: single nucleotide variant.
Coding change: c.4885G>A on transcript NM_006922.4 (MANE Select); coding-DNA position 4885, G replaced by A.
Protein change: p.Gly1629Ser; replaces glycine 1629 with serine.
Molecular consequence: missense variant.
Genome position (GRCh38, 1-based): chr2:165,091,268, C>T on the plus strand (G>A on the coding strand, the complement: SCN3A is on the minus strand). VCF-style: chr2-165091268-C-T. GRCh37 (hg19) VCF-style: chr2-165947778-C-T.
Other names: c.4738G>A, p.Gly1580Ser (NM_001081676.2, NM_001081677.2); short protein forms G1580S, G1629S.
Identifiers: ClinVar variation 3252465 (VCV003252465.1), dbSNP rs2468042133.
Genomic context (GRCh38, chr2:165,091,268, plus strand): 5'-TCAAAGCAAAGAGCAGCGTGCGGATCCCCTTTGCTCCTTTGATCAGACGTAGGATTCGGC[C>T]AATCCTGGCAAGACGGATCACTCGGAACAAGGTAGGGGACACAAAATACTTTTCTATCAT-3'
Protein context (NP_008853.3, residues 1619-1639): LFRVIRLARI[Gly1629Ser]RILRLIKGAK